The following is an entry in ClinVar:

NM_020693.4(DSCAML1):c.2500G>A (p.Val834Ile)

Gene: DSCAML1 (DS cell adhesion molecule like 1; minus strand). Cytogenetic location: 11q23.3.
Variant type: single nucleotide variant.
Coding change: c.2500G>A on transcript NM_020693.4 (MANE Select); coding-DNA position 2500, G replaced by A.
Protein change: p.Val834Ile; replaces valine 834 with isoleucine.
Molecular consequence: missense variant.
Genome position (GRCh38, 1-based): chr11:117,482,022, C>T on the plus strand (G>A on the coding strand, the complement: DSCAML1 is on the minus strand). VCF-style: chr11-117482022-C-T. GRCh37 (hg19) VCF-style: chr11-117352737-C-T.
Other names: c.2500G>A, p.Val834Ile (NM_001367904.1); short protein forms V834I.
Identifiers: ClinVar variation 2894485 (VCV002894485.3), dbSNP rs768108077, ClinGen allele CA6296995.
Genomic context (GRCh38, chr11:117,482,022, plus strand): 5'-CCTTCAGTGTGGAGACGACCTCGTCGCCGTTGTCCTTGGTGGCGATGGCATACCGCATGA[C>T]GCGGTCAGGGTCGATGACTGTGTCCCCCTTCTCCCAGCGGATGATGATGGGCCGCTCACC-3'
Protein context (NP_065744.3, residues 824-844): KGDTVIDPDR[Val834Ile]MRYAIATKDN

ClinVar aggregate classification (germline): Uncertain significance (1 of 4 stars; one submission).

Allele frequency attached by ClinVar (database versions not stated): gnomAD 0.00001; ExAC 0.00002.
gnomAD v4.1: 18 of 1,614,068 alleles (0.0011%); highest among the groups gnomAD compares: Middle Eastern, 0.033%; 1 homozygote.

Submission:

Labcorp Genetics (formerly Invitae), Labcorp
Classification: Uncertain significance. Last evaluated: 2023-07-17. Review status: criteria provided, single submitter. Criteria: Invitae Variant Classification Sherloc (09022015). Collection method: clinical testing. Allele origin: germline.
Comment: In summary, the available evidence is currently insufficient to determine the role of this variant in disease. Therefore, it has been classified as a Variant of Uncertain Significance. An algorithm developed to predict the effect of missense changes on protein structure and function (PolyPhen-2) suggests that this variant is likely to be tolerated. This variant has not been reported in the literature in individuals affected with DSCAML1-related conditions. This variant is present in population databases (rs768108077, gnomAD 0.006%). This sequence change replaces valine, which is neutral and non-polar, with isoleucine, which is neutral and non-polar, at codon 894 of the DSCAML1 protein (p.Val894Ile).